The following is an entry in ClinVar:

ClinVar aggregate classification (germline): Uncertain significance (1 of 4 stars; one submission).

Allele frequency attached by ClinVar (database versions not stated): TOPMed below 0.00001; gnomAD 0.00001.
gnomAD v4.1: 1 of 1,612,786 alleles (0.000062%); highest among the groups gnomAD compares: African/African-American, 0.0013%; no homozygotes.

Submission:

Labcorp Genetics (formerly Invitae), Labcorp
Classification: Uncertain significance. Last evaluated: 2023-12-30. Review status: criteria provided, single submitter. Criteria: Invitae Variant Classification Sherloc (09022015). Collection method: clinical testing. Allele origin: germline.
Comment: This sequence change replaces leucine, which is neutral and non-polar, with phenylalanine, which is neutral and non-polar, at codon 2730 of the HMCN1 protein (p.Leu2730Phe). This variant is not present in population databases (gnomAD no frequency). This variant has not been reported in the literature in individuals affected with HMCN1-related conditions. ClinVar contains an entry for this variant (Variation ID: 2102017). An algorithm developed to predict the effect of missense changes on protein structure and function (PolyPhen-2) suggests that this variant is likely to be disruptive. In summary, the available evidence is currently insufficient to determine the role of this variant in disease. Therefore, it has been classified as a Variant of Uncertain Significance.

NM_031935.3(HMCN1):c.8188C>T (p.Leu2730Phe)

Gene: HMCN1 (hemicentin 1; plus strand). Cytogenetic location: 1q31.1.
Variant type: single nucleotide variant.
Coding change: c.8188C>T on transcript NM_031935.3 (MANE Select); coding-DNA position 8188, C replaced by T.
Protein change: p.Leu2730Phe; replaces leucine 2730 with phenylalanine.
Molecular consequence: missense variant.
Genome position (GRCh38, 1-based): chr1:186,074,789, C>T. VCF-style: chr1-186074789-C-T. GRCh37 (hg19) VCF-style: chr1-186043921-C-T.
Other names: short protein forms L2730F.
Identifiers: ClinVar variation 2102017 (VCV002102017.4), dbSNP rs1217879492, ClinGen allele CA343911238.